The following is an entry in ClinVar:

NM_138352.3(SAMD1):c.50C>T (p.Thr17Ile)

Gene: SAMD1 (sterile alpha motif domain containing 1; minus strand). Cytogenetic location: 19p13.12.
Variant type: single nucleotide variant.
Coding change: c.50C>T on transcript NM_138352.3 (MANE Select); coding-DNA position 50, C replaced by T.
Protein change: p.Thr17Ile; replaces threonine 17 with isoleucine.
Molecular consequence: missense variant.
Genome position (GRCh38, 1-based): chr19:14,090,371, G>A on the plus strand (C>T on the coding strand, the complement: SAMD1 is on the minus strand). VCF-style: chr19-14090371-G-A. GRCh37 (hg19) VCF-style: chr19-14201183-G-A.
Other names: short protein forms T17I.
Identifiers: ClinVar variation 4580661 (VCV004580661.1).

ClinVar aggregate classification (germline): Uncertain significance (1 of 4 stars; one submission).

Submission:

Ambry Genetics
Classification: Uncertain significance. Last evaluated: 2025-10-15. Review status: criteria provided, single submitter. Criteria: Ambry Variant Classification Scheme 2023. Collection method: clinical testing. Allele origin: germline.
Comment: The c.50C>T (p.T17I) alteration is located in exon (coding exon ) of the SAMD1 gene. This alteration results from a C to T substitution at nucleotide position 50, causing the threonine (T) at amino acid position 17 to be replaced by an isoleucine (I). Based on insufficient or conflicting evidence, the clinical significance of this alteration remains unclear.